The following is an entry in ClinVar:

NM_005219.5(DIAPH1):c.2373C>G (p.Asp791Glu)

Gene: DIAPH1 (diaphanous related formin 1; minus strand). Cytogenetic location: 5q31.3.
Variant type: single nucleotide variant.
Coding change: c.2373C>G on transcript NM_005219.5 (MANE Select); coding-DNA position 2373, C replaced by G.
Protein change: p.Asp791Glu; replaces aspartic acid 791 with glutamic acid.
Molecular consequence: missense variant.
Genome position (GRCh38, 1-based): chr5:141,572,026, G>C on the plus strand (C>G on the coding strand, the complement: DIAPH1 is on the minus strand). VCF-style: chr5-141572026-G-C. GRCh37 (hg19) VCF-style: chr5-140951593-G-C.
Other names: c.2346C>G, p.Asp782Glu (NM_001079812.3); c.2373C>G, p.Asp791Glu (NM_001314007.2); short protein forms D791E, D782E.
Identifiers: ClinVar variation 4788907 (VCV004788907.1).

ClinVar aggregate classification (germline): Uncertain significance (1 of 4 stars; one submission).

Conditions:
Autosomal dominant nonsyndromic hearing loss 1. Also called: KONIGSMARK SYNDROME; DEAFNESS, AUTOSOMAL DOMINANT 1, WITH OR WITHOUT THROMBOCYTOPENIA. Identifiers: Orphanet 90635, MedGen C1852282, MONDO:0007424, OMIM 124900.
Progressive microcephaly-seizures-cortical blindness-developmental delay syndrome. Also called: Seizures, cortical blindness, and microcephaly syndrome. Identifiers: Orphanet 477814, MedGen C5567650, MONDO:0014714, OMIM 616632.

gnomAD v4.1: 1 of 1,613,740 alleles (0.000062%); highest among the groups gnomAD compares: Admixed American, 0.0017%; no homozygotes.

Submission:

Labcorp Genetics (formerly Invitae), Labcorp
Classification: Uncertain significance for Progressive microcephaly-seizures-cortical blindness-developmental delay syndrome; Autosomal dominant nonsyndromic hearing loss 1. Last evaluated: 2025-09-08. Review status: criteria provided, single submitter. Criteria: Invitae Variant Classification Sherloc (09022015). Collection method: clinical testing. Allele origin: germline.
Comment: This sequence change replaces aspartic acid, which is acidic and polar, with glutamic acid, which is acidic and polar, at codon 791 of the DIAPH1 protein (p.Asp791Glu). This variant is present in population databases (no rsID available, gnomAD 0.003%). This variant has not been reported in the literature in individuals affected with DIAPH1-related conditions. An algorithm developed to predict the effect of missense changes on protein structure and function (PolyPhen-2) suggests that this variant is likely to be tolerated. In summary, the available evidence is currently insufficient to determine the role of this variant in disease. Therefore, it has been classified as a Variant of Uncertain Significance.